The following is an entry in ClinVar:

NM_002544.5(OMG):c.516G>A (p.Val172=)

Genes: OMG (oligodendrocyte myelin glycoprotein; minus strand), NF1 (neurofibromin 1; plus strand). Cytogenetic location: 17q11.2.
Variant type: single nucleotide variant.
Coding change: c.516G>A on transcript NM_002544.5 (MANE Select); coding-DNA position 516, G replaced by A.
Protein change: p.Val172=; no amino-acid change (valine 172 retained).
Molecular consequence: synonymous variant. On other transcripts: intron variant (2).
Genome position (GRCh38, 1-based): chr17:31,295,816, C>T on the plus strand (G>A on the coding strand, the complement: OMG is on the minus strand). VCF-style: chr17-31295816-C-T. GRCh37 (hg19) VCF-style: chr17-29622834-C-T.
Other names: c.4836-30004C>T (NM_001042492.3); c.4773-30004C>T (NM_000267.4).
Identifiers: ClinVar variation 3029883 (VCV003029883.2), dbSNP rs777337623, ClinGen allele CA8486590.

ClinVar aggregate classification (germline): Likely benign (0 of 4 stars; one submission).

Conditions:
OMG-related disorder. Also called: OMG-related condition.

Allele frequency attached by ClinVar (database versions not stated): gnomAD exomes below 0.00001; ExAC 0.00001.
gnomAD v4.1: 1 of 1,614,084 alleles (0.000062%); highest among the groups gnomAD compares: Non-Finnish European, 0.000085%; no homozygotes.

Submission:

PreventionGenetics, part of Exact Sciences
Classification: Likely benign for OMG-related condition. Last evaluated: 2020-12-28. Review status: no assertion criteria provided. Collection method: clinical testing. Allele origin: germline.
Comment: This variant is classified as likely benign based on ACMG/AMP sequence variant interpretation guidelines (Richards et al. 2015 PMID: 25741868, with internal and published modifications).